The following is an entry in ClinVar:

NM_000044.6(AR):c.2370C>A (p.His790Gln)

Gene: AR (androgen receptor; plus strand). Cytogenetic location: Xq12.
Variant type: single nucleotide variant.
Coding change: c.2370C>A on transcript NM_000044.6 (MANE Select); coding-DNA position 2370, C replaced by A.
Protein change: p.His790Gln; replaces histidine 790 with glutamine.
Molecular consequence: missense variant.
Genome position (GRCh38, 1-based): chrX:67,721,884, C>A. VCF-style: chrX-67721884-C-A. GRCh37 (hg19) VCF-style: chrX-66941726-C-A.
Other names: c.774C>A, p.His258Gln (NM_001011645.3); short protein forms H258Q, H790Q.
Identifiers: ClinVar variation 4085261 (VCV004085261.8).

ClinVar aggregate classification (germline): Uncertain significance (1 of 4 stars; one submission).

Submission:

CeGaT Center for Human Genetics Tuebingen
Classification: Uncertain significance. Last evaluated: 2025-06-01. Review status: criteria provided, single submitter. Criteria: CeGaT Center For Human Genetics Tuebingen Variant Classification Criteria Version 2. Collection method: clinical testing. Allele origin: germline. Affected: yes. Observed: 1 variant allele.
Comment: AR: PM2, PP2